The following is an entry in ClinVar:

NM_000088.4(COL1A1):c.2667+2dup

Gene: COL1A1 (collagen type I alpha 1 chain; minus strand). Cytogenetic location: 17q21.33.
Variant type: Duplication.
Coding change: c.2667+2dup on transcript NM_000088.4 (MANE Select); the canonical splice donor site of the intron after coding-DNA position 2667, one base duplicated (T; older notation c.2667+2dupT).
Molecular consequence: splice donor variant.
Genome position (GRCh38, 1-based): chr17:50,189,677, A duplicated on the plus strand (T on the coding strand, the reverse complement: COL1A1 is on the minus strand). VCF-style (leftmost placement, unchanged base first): chr17-50189676-T-TA. GRCh37 (hg19) VCF-style: chr17-48267037-T-TA.
Other names: c.2667+2dupT (NM_000088.4).
Identifiers: ClinVar variation 4280697 (VCV004280697.1).

ClinVar aggregate classification (germline): Pathogenic (1 of 4 stars; one submission).

Conditions:
Osteogenesis imperfecta type I (OI1). Also called: OI, TYPE I; OSTEOGENESIS IMPERFECTA TARDA; OSTEOGENESIS IMPERFECTA WITH BLUE SCLERAE; Osteogenesis imperfecta type 1; Lobstein's Disease; Lobstein disease. Identifiers: Orphanet 216796, Orphanet 666, MedGen C0023931, MONDO:0008146, OMIM 166200. Disease mechanism: loss of function.

Submission:

Laboratory of Genetic Skeletal Anomaly, Seoul National University Children's Hospital
Classification: Pathogenic for Osteogenesis imperfecta type I. Last evaluated: 2025-03-01. Review status: criteria provided, single submitter. Criteria: ACMG Guidelines, 2015. Collection method: research. Allele origin: germline. Affected: yes.
Comment: This variant is a novel variant not previously reported in the literature or population databases. It was classified based on available in silico predictions and absence from gnomAD.